The following is an entry in ClinVar:

ClinVar aggregate classification (germline): Pathogenic (1 of 4 stars; one submission).

Conditions:
Leber congenital amaurosis 1 (LCA1). Also called: RETINAL BLINDNESS, CONGENITAL; AMAUROSIS CONGENITA OF LEBER I; Congenital absence of the rods and cones; Leber's congenital tapetoretinal degeneration; Leber's congenital tapetoretinal dysplasia. Identifiers: Orphanet 65, MedGen C2931258, MONDO:0008764, OMIM 204000.
Cone-rod dystrophy 6 (CORD6). Also called: RETINAL CONE DYSTROPHY 2; Cone dystrophy progressive. Identifiers: Orphanet 1872, MedGen C1866293, MONDO:0011143, OMIM 601777.

Submission:

Labcorp Genetics (formerly Invitae), Labcorp
Classification: Pathogenic for Leber congenital amaurosis 1; Cone-rod dystrophy 6. Last evaluated: 2024-03-16. Review status: criteria provided, single submitter. Criteria: Invitae Variant Classification Sherloc (09022015). Collection method: clinical testing. Allele origin: germline.
Comment: This sequence change creates a premature translational stop signal (p.Trp22*) in the GUCY2D gene. It is expected to result in an absent or disrupted protein product. Loss-of-function variants in GUCY2D are known to be pathogenic (PMID: 10951519, 11328726). This variant is not present in population databases (gnomAD no frequency). This variant has not been reported in the literature in individuals affected with GUCY2D-related conditions. Algorithms developed to predict the effect of sequence changes on RNA splicing suggest that this variant may create or strengthen a splice site. For these reasons, this variant has been classified as Pathogenic.

Literature cited by the submitters: PubMed 10951519; PubMed 11328726.

NM_000180.4(GUCY2D):c.66G>A (p.Trp22Ter)

Gene: GUCY2D (guanylate cyclase 2D, retinal; plus strand). Cytogenetic location: 17p13.1.
Variant type: single nucleotide variant.
Coding change: c.66G>A on transcript NM_000180.4 (MANE Select); coding-DNA position 66, G replaced by A.
Protein change: p.Trp22Ter; replaces tryptophan 22 with a stop codon.
Molecular consequence: nonsense.
Genome position (GRCh38, 1-based): chr17:8,003,113, G>A. VCF-style: chr17-8003113-G-A. GRCh37 (hg19) VCF-style: chr17-7906431-G-A.
Other names: short protein forms W22*.
Identifiers: ClinVar variation 3755347 (VCV003755347.2).